The following is an entry in ClinVar:

NM_001375765.1(GIGYF1):c.2534C>T (p.Pro845Leu)

Gene: GIGYF1 (GRB10 interacting GYF protein 1; minus strand). Cytogenetic location: 7q22.1.
Variant type: single nucleotide variant.
Coding change: c.2534C>T on transcript NM_001375765.1 (MANE Select); coding-DNA position 2534, C replaced by T.
Protein change: p.Pro845Leu; replaces proline 845 with leucine.
Molecular consequence: missense variant. On other transcripts: non-coding transcript variant (1).
Genome position (GRCh38, 1-based): chr7:100,682,656, G>A on the plus strand (C>T on the coding strand, the complement: GIGYF1 is on the minus strand). VCF-style: chr7-100682656-G-A. GRCh37 (hg19) VCF-style: chr7-100280279-G-A.
Other names: NM_022574.4:c.2534C>T; c.2534C>T, p.Pro845Leu (NM_001375759.1, NM_001375760.1, NM_001375761.1 and 5 more transcripts); c.2531C>T, p.Pro844Leu (NM_001375768.1); short protein forms P844L, P845L.
Identifiers: ClinVar variation 3046892 (VCV003046892.2), dbSNP rs201631397, ClinGen allele CA4388075.
Genomic context (GRCh38, chr7:100,682,656, plus strand): 5'-GATGGGCTGCTCCGGCTGTTCTTCAGGCCGAGGCCACGGACCAGGCTCCCGCCGCTCTTG[G>A]GGGTGTCCTCCCAGAGCCCCAGGCCGCTGCTGCCGCCCCCACTCTTGTCTGGCCCGCCCC-3'
Protein context (NP_001362694.1, residues 835-855): SSGLGLWEDT[Pro845Leu]KSGGSLVRGL

ClinVar aggregate classification (germline): Likely benign (0 of 4 stars; one submission).

Conditions:
GIGYF1-related disorder. Also called: GIGYF1-related condition.

Allele frequency attached by ClinVar (database versions not stated): gnomAD exomes 0.00011; ExAC 0.00058; ESP Exome Variant Server 0.00071; gnomAD 0.00160; TOPMed 0.00182; 1000 Genomes Project 0.00200; 1000 Genomes Project 30x 0.00234.
gnomAD v4.1: 425 of 1,605,108 alleles (0.026%); highest among the groups gnomAD compares: African/African-American, 0.5%; 2 homozygotes.

Submission:

PreventionGenetics, part of Exact Sciences
Classification: Likely benign for GIGYF1-related condition. Last evaluated: 2024-01-18. Review status: no assertion criteria provided. Collection method: clinical testing. Allele origin: germline.
Comment: This variant is classified as likely benign based on ACMG/AMP sequence variant interpretation guidelines (Richards et al. 2015 PMID: 25741868, with internal and published modifications).